The following is an entry in ClinVar:

ClinVar aggregate classification (germline): Uncertain significance (1 of 4 stars; one submission).

Submission:

Women's Health and Genetics/Laboratory Corporation of America, LabCorp
Classification: Uncertain significance. Last evaluated: 2023-12-08. Review status: criteria provided, single submitter. Criteria: LabCorp Variant Classification Summary - May 2015. Collection method: clinical testing. Allele origin: germline.
Comment: Variant summary: FDFT1 c.87delC (p.Lys30ArgfsX11) results in a premature termination codon, predicted to cause a truncation of the encoded protein or absence of the protein due to nonsense mediated decay, however current evidence is not sufficient to establish loss-of-function variants in FDFT1 as causative of disease. The frequency data for this variant in gnomAD is considered unreliable, as metrics indicate poor data quality at this position. To our knowledge, no occurrence of c.87delC in individuals affected with Squalene Synthase Deficiency and no experimental evidence demonstrating its impact on protein function have been reported. No submitters have cited clinical-significance assessments for this variant to ClinVar after 2014. Based on the evidence outlined above, the variant was classified as uncertain significance.

NM_004462.5(FDFT1):c.87del (p.Lys30fs)

Gene: FDFT1 (farnesyl-diphosphate farnesyltransferase 1). Cytogenetic location: 8p23.1.
Variant type: Deletion.
Coding change: c.87del on transcript NM_004462.5 (MANE Select); coding-DNA position 87, one base deleted.
Protein change: p.Lys30fs; shifts the reading frame from lysine 30.
Molecular consequence: frameshift variant. On other transcripts: 5 prime UTR variant (1), intron variant (2).
Genome position: GRCh38 VCF-style: chr8-11802916-GC-G. GRCh37 (hg19) VCF-style: chr8-11660425-GC-G.
Other names: c.87del, p.Lys30fs (NM_001287742.2, NM_001287743.2); c.-303del (NM_001287745.2); c.-93-5875del (NM_001287744.2); c.64+9del (NM_001287756.2); c.87delC (NM_004462.5); short protein forms K30fs.
Identifiers: ClinVar variation 2691547 (VCV002691547.1), dbSNP rs1806315353, ClinGen allele CA2697549755.